The following is an entry in ClinVar:

ClinVar aggregate classification (germline): Pathogenic/Likely pathogenic. Review status: criteria provided, multiple submitters, no conflicts (2 of 4 stars). 2 submissions from 2 submitters: Pathogenic (1); Likely pathogenic (1). Last evaluated 2018-08-30.

Conditions:
Bethlem myopathy 1A. Also called: Bethlem Muscular Dystrophy; MYOPATHY, BENIGN CONGENITAL, WITH CONTRACTURES; Bethlem myopathy 1. Identifiers: Orphanet 610, MedGen CN029274, MONDO:0024530, OMIM 158810.

Submissions (2):

Labcorp Genetics (formerly Invitae), Labcorp
Classification: Likely pathogenic for Bethlem myopathy 1A. Last evaluated: 2018-08-30. Review status: criteria provided, single submitter. Criteria: Invitae Variant Classification Sherloc (09022015). Collection method: clinical testing. Allele origin: germline.
Comment: This variant is not present in population databases (ExAC no frequency). This variant has not been reported in the literature in individuals with COL6A3-related disease. Loss-of-function variants in COL6A3 are known to cause autosomal recessive COL6A3-related disorders (PMID: 20976770). However, variants that disrupt splice sites in COL6A3 have also been reported to cause autosomal dominant COL6A3-related disorders (PMID: 20976770, 15563506, 18366090). In summary, the currently available evidence indicates that the variant is pathogenic, but additional data are needed to prove that conclusively. Therefore, this variant has been classified as Likely Pathogenic. This variant is a deletion of the genomic region encompassing part of exon 19 (c.6310-28_6325del) of the COL6A3 gene. It is expected to disrupt RNA splicing and likely results in an absent or disrupted protein product.

Eurofins Ntd Llc (ga)
Classification: Pathogenic. Last evaluated: 2016-11-30. Review status: criteria provided, single submitter. Criteria: EGL Classification Definitions 2015. Collection method: clinical testing. Allele origin: germline. Observed: 1 variant allele, 1 heterozygote.

Literature cited by the submitters: PubMed 20976770 (cited by Labcorp Genetics (formerly Invitae), Labcorp); PubMed 15563506 (cited by Labcorp Genetics (formerly Invitae), Labcorp); PubMed 18366090 (cited by Labcorp Genetics (formerly Invitae), Labcorp).

NM_004369.4(COL6A3):c.6310-28_6325del

Genes: COL6A3 (collagen type VI alpha 3 chain; minus strand), LOC122889011 (Sharpr-MPRA regulatory region 1020; plus strand). Cytogenetic location: 2q37.3.
Variant type: Deletion.
Coding change: c.6310-28_6325del on transcript NM_004369.4 (MANE Select); 28 bases into the intron before coding-DNA position 6310 through coding-DNA position 6325, 44 bases deleted.
Molecular consequence: splice acceptor variant.
Genome position (GRCh38, 1-based): chr2:237,359,235-237,359,278, 44 bases deleted; deleting any 44 consecutive bases within chr2:237,359,235-237,359,279 gives the same sequence; the c. name uses the placement nearest the transcript's 3' end. GRCh37 (hg19): chr2:238,267,879-238,267,922.
Other names: c.6310-28_6325delCTTACCTGTCCGCCTTATTCCCTCTTAGGGCGAAGTAGGAGAAA (NM_004369.3); c.4489-28_4504del (NM_057166.5); c.5692-28_5707del (NM_057167.4).
Identifiers: ClinVar variation 498909 (VCV000498909.13), dbSNP rs1553553267, ClinGen allele CA658796208.
Genomic context (GRCh38, chr2:237,359,234, plus strand): 5'-AAGCAGTTTGGACTTAGAGTAAAATCACTTACATCTTCACCATCCAGACCATCCAGTCCA[ATTTCTCCTACTTCGCCCTAAGAGGGAATAAGGCGGACAGGTAAG>A]TATAGAAAGCTATTCTGGCAAAGGAAGAAATGAGAAATACTGGGAGAGTTTTCCATTTGT-3'